The following is an entry in ClinVar:

NM_000787.4(DBH):c.1722+5G>A

Genes: DBH (dopamine beta-hydroxylase; plus strand), DBH-AS1 (DBH antisense RNA 1; minus strand). Cytogenetic location: 9q34.2.
Variant type: single nucleotide variant.
Coding change: c.1722+5G>A on transcript NM_000787.4 (MANE Select); 5 bases into the intron after coding-DNA position 1722, G replaced by A.
Molecular consequence: intron variant. On other transcripts: non-coding transcript variant (1).
Genome position (GRCh38, 1-based): chr9:133,657,234, G>A. VCF-style: chr9-133657234-G-A. GRCh37 (hg19) VCF-style: chr9-136522356-G-A.
Identifiers: ClinVar variation 2165189 (VCV002165189.1), dbSNP rs201504077, ClinGen allele CA5313659.

ClinVar aggregate classification (germline): Uncertain significance (1 of 4 stars; one submission).

Conditions:
Orthostatic hypotension 1 (ORTHYP1). Also called: Dopamine beta-hydroxylase deficiency; NORADRENALINE DEFICIENCY; NOREPINEPHRINE DEFICIENCY; Orthostatic hypotension 1, due to DBH deficiency. Identifiers: Orphanet 230, MedGen C4746777, MONDO:0009123, OMIM 223360.

Allele frequency attached by ClinVar (database versions not stated): ExAC 0.00003; gnomAD exomes 0.00003; TOPMed 0.00004; gnomAD 0.00005; 1000 Genomes Project 0.00020; 1000 Genomes Project 30x 0.00062.
gnomAD v4.1: 51 of 1,613,546 alleles (0.0032%); highest among the groups gnomAD compares: Admixed American, 0.023%; no homozygotes.

Submission:

Labcorp Genetics (formerly Invitae), Labcorp
Classification: Uncertain significance for Orthostatic hypotension 1. Last evaluated: 2022-07-12. Review status: criteria provided, single submitter. Criteria: Invitae Variant Classification Sherloc (09022015). Collection method: clinical testing. Allele origin: germline.
Comment: This sequence change falls in intron 11 of the DBH gene. It does not directly change the encoded amino acid sequence of the DBH protein. It affects a nucleotide within the consensus splice site. This variant is present in population databases (rs201504077, gnomAD 0.02%). This variant has not been reported in the literature in individuals affected with DBH-related conditions. Variants that disrupt the consensus splice site are a relatively common cause of aberrant splicing (PMID: 17576681, 9536098). Algorithms developed to predict the effect of sequence changes on RNA splicing suggest that this variant is not likely to affect RNA splicing. In summary, the available evidence is currently insufficient to determine the role of this variant in disease. Therefore, it has been classified as a Variant of Uncertain Significance.

Literature cited by the submitters: PubMed 17576681; PubMed 9536098.